The following is an entry in ClinVar:

NM_007259.5(VPS45):c.1678T>C (p.Ser560Pro)

Gene: VPS45 (vacuolar protein sorting 45 homolog; plus strand). Cytogenetic location: 1q21.2.
Variant type: single nucleotide variant.
Coding change: c.1678T>C on transcript NM_007259.5 (MANE Select); coding-DNA position 1678, T replaced by C.
Protein change: p.Ser560Pro; replaces serine 560 with proline.
Molecular consequence: missense variant. On other transcripts: non-coding transcript variant (1).
Genome position (GRCh38, 1-based): chr1:150,144,761, T>C. VCF-style: chr1-150144761-T-C. GRCh37 (hg19) VCF-style: chr1-150116939-T-C.
Other names: c.1457T>C, p.Leu486Pro (NM_001279353.2); c.1570T>C, p.Ser524Pro (NM_001279354.2); short protein forms L486P, S560P, S524P.
Identifiers: ClinVar variation 1956935 (VCV001956935.2), dbSNP rs1659581910, ClinGen allele CA342256990.

ClinVar aggregate classification (germline): Uncertain significance (1 of 4 stars; one submission).

Conditions:
Congenital neutropenia-myelofibrosis-nephromegaly syndrome. Also called: Severe congenital neutropenia 5, autosomal recessive. Identifiers: Orphanet 369852, MedGen C3809031, MONDO:0014118, OMIM 615285.

Allele frequency attached by ClinVar (database versions not stated): TOPMed below 0.00001; gnomAD 0.00001.
gnomAD v4.1: 1 of 1,614,026 alleles (0.000062%); highest among the groups gnomAD compares: Non-Finnish European, 0.000085%; no homozygotes.

Submission:

Labcorp Genetics (formerly Invitae), Labcorp
Classification: Uncertain significance for Congenital neutropenia-myelofibrosis-nephromegaly syndrome. Last evaluated: 2021-12-15. Review status: criteria provided, single submitter. Criteria: Invitae Variant Classification Sherloc (09022015). Collection method: clinical testing. Allele origin: germline.
Comment: This sequence change replaces serine, which is neutral and polar, with proline, which is neutral and non-polar, at codon 560 of the VPS45 protein (p.Ser560Pro). This variant is not present in population databases (gnomAD no frequency). This variant has not been reported in the literature in individuals affected with VPS45-related conditions. Algorithms developed to predict the effect of missense changes on protein structure and function (SIFT, PolyPhen-2, Align-GVGD) all suggest that this variant is likely to be tolerated. In summary, the available evidence is currently insufficient to determine the role of this variant in disease. Therefore, it has been classified as a Variant of Uncertain Significance.